The following is an entry in ClinVar:

NM_000203.5(IDUA):c.1670T>A (p.Leu557Gln)

Gene: IDUA (alpha-L-iduronidase; plus strand). Cytogenetic location: 4p16.3.
Variant type: single nucleotide variant.
Coding change: c.1670T>A on transcript NM_000203.5 (MANE Select); coding-DNA position 1670, T replaced by A.
Protein change: p.Leu557Gln; replaces leucine 557 with glutamine.
Molecular consequence: missense variant. On other transcripts: non-coding transcript variant (1).
Genome position (GRCh38, 1-based): chr4:1,003,568, T>A. VCF-style: chr4-1003568-T-A. GRCh37 (hg19) VCF-style: chr4-997356-T-A.
Other names: c.1274T>A, p.Leu425Gln (NM_001363576.1); short protein forms L425Q, L557Q.
Identifiers: ClinVar variation 1504395 (VCV001504395.10), dbSNP rs2153023010, ClinGen allele CA355965178.

ClinVar aggregate classification (germline): Uncertain significance (1 of 4 stars; one submission).

Conditions:
Mucopolysaccharidosis type 1. Also called: IDUA deficiency; MPS I; Mucopolysaccharidosis Type I. Identifiers: Orphanet 579, MedGen C0023786, MONDO:0001586.

Submission:

Labcorp Genetics (formerly Invitae), Labcorp
Classification: Uncertain significance for Mucopolysaccharidosis type 1. Last evaluated: 2024-07-19. Review status: criteria provided, single submitter. Criteria: Invitae Variant Classification Sherloc (09022015). Collection method: clinical testing. Allele origin: germline.
Comment: This sequence change replaces leucine, which is neutral and non-polar, with glutamine, which is neutral and polar, at codon 557 of the IDUA protein (p.Leu557Gln). This variant is not present in population databases (gnomAD no frequency). This variant has not been reported in the literature in individuals affected with IDUA-related conditions. ClinVar contains an entry for this variant (Variation ID: 1504395). Advanced modeling of protein sequence and biophysical properties (such as structural, functional, and spatial information, amino acid conservation, physicochemical variation, residue mobility, and thermodynamic stability) has been performed at Invitae for this missense variant, however the output from this modeling did not meet the statistical confidence thresholds required to predict the impact of this variant on IDUA protein function. In summary, the available evidence is currently insufficient to determine the role of this variant in disease. Therefore, it has been classified as a Variant of Uncertain Significance.